The following is an entry in ClinVar:

ClinVar aggregate classification (germline): Uncertain significance. Review status: criteria provided, multiple submitters, no conflicts (2 of 4 stars). 2 submissions from 2 submitters: Uncertain significance (2). Last evaluated 2023-04-27.

Conditions:
WDFY3-related disorder.
Inborn genetic diseases. Identifiers: MedGen C0950123, MeSH D030342.

Submissions (2):

PreventionGenetics, part of Exact Sciences
Classification: Uncertain significance for WDFY3-related condition. Last evaluated: 2023-04-27. Review status: criteria provided, single submitter. Criteria: ACMG Guidelines, 2015. Collection method: clinical testing. Allele origin: germline.
Comment: The WDFY3 c.6129C>G variant is predicted to result in the amino acid substitution p.Asn2043Lys. To our knowledge, this variant has not been reported in the literature or in a large population database, indicating this variant is rare. At this time, the clinical significance of this variant is uncertain due to the absence of conclusive functional and genetic evidence.

Ambry Genetics
Classification: Uncertain significance for Inborn genetic diseases. Last evaluated: 2023-03-02. Review status: criteria provided, single submitter. Criteria: Ambry Variant Classification Scheme 2023. Collection method: clinical testing. Allele origin: germline.

NM_014991.6(WDFY3):c.6129C>G (p.Asn2043Lys)

Gene: WDFY3 (WD repeat and FYVE domain containing 3; minus strand). Cytogenetic location: 4q21.23.
Variant type: single nucleotide variant.
Coding change: c.6129C>G on transcript NM_014991.6 (MANE Select); coding-DNA position 6129, C replaced by G.
Protein change: p.Asn2043Lys; replaces asparagine 2043 with lysine.
Molecular consequence: missense variant.
Genome position (GRCh38, 1-based): chr4:84,741,866, G>C on the plus strand (C>G on the coding strand, the complement: WDFY3 is on the minus strand). VCF-style: chr4-84741866-G-C. GRCh37 (hg19) VCF-style: chr4-85663019-G-C.
Other names: short protein forms N2043K.
Identifiers: ClinVar variation 2493559 (VCV002493559.3), dbSNP rs2532129923, ClinGen allele CA357558011.
Genomic context (GRCh38, chr4:84,741,866, plus strand): 5'-TTTGTTGAACATGCCTTGCCAAAGCTTGTCCACCACACGCTGTGTGAAATAAAACACATT[G>C]TTCACCAATACCTGGTAGCTTCCTCCACTGGTAATAGGCAGAGATGCATCTTCCCCTAAA-3'
Protein context (NP_055806.2, residues 2033-2053): TSGGSYQVLV[Asn2043Lys]NVFYFTQRVV